The following is an entry in ClinVar:

NM_000222.3(KIT):c.162T>G (p.Ile54Met)

Gene: KIT (KIT proto-oncogene, receptor tyrosine kinase; plus strand). Cytogenetic location: 4q12.
Variant type: single nucleotide variant.
Coding change: c.162T>G on transcript NM_000222.3 (MANE Select); coding-DNA position 162, T replaced by G.
Protein change: p.Ile54Met; replaces isoleucine 54 with methionine.
Molecular consequence: missense variant.
Genome position (GRCh38, 1-based): chr4:54,695,606, T>G. VCF-style: chr4-54695606-T-G. GRCh37 (hg19) VCF-style: chr4-55561772-T-G.
Other names: c.162T>G, p.Ile54Met (NM_001093772.2, NM_001385284.1, NM_001385285.1 and 4 more transcripts); short protein forms I54M.
Identifiers: ClinVar variation 1369931 (VCV001369931.8), dbSNP rs2109661187, ClinGen allele CA356896962.
Genomic context (GRCh38, chr4:54,695,606, plus strand): 5'-GTCTCCACCATCCATCCATCCAGGAAAATCAGACTTAATAGTCCGCGTGGGCGACGAGAT[T>G]AGGCTGTTATGCACTGATCCGGGCTTTGTCAAATGGACTTTTGAGATCCTGGATGAAACG-3'
Protein context (NP_000213.1, residues 44-64): SDLIVRVGDE[Ile54Met]RLLCTDPGFV

ClinVar aggregate classification (germline): Uncertain significance (1 of 4 stars; one submission).

Conditions:
Gastrointestinal stromal tumor. Also called: Gastrointestinal stroma tumor; Gastrointestinal stromal tumor, somatic. Identifiers: Orphanet 44890, MedGen C0238198, MeSH D046152, MONDO:0011719, OMIM 606764, HP:0100723.

Submission:

Labcorp Genetics (formerly Invitae), Labcorp
Classification: Uncertain significance for Gastrointestinal stromal tumor. Last evaluated: 2021-07-26. Review status: criteria provided, single submitter. Criteria: Invitae Variant Classification Sherloc (09022015). Collection method: clinical testing. Allele origin: germline.
Comment: In summary, the available evidence is currently insufficient to determine the role of this variant in disease. Therefore, it has been classified as a Variant of Uncertain Significance. Algorithms developed to predict the effect of missense changes on protein structure and function are either unavailable or do not agree on the potential impact of this missense change (SIFT: "Deleterious"; PolyPhen-2: "Benign"; Align-GVGD: "Class C0"). This variant has not been reported in the literature in individuals affected with KIT-related conditions. This variant is not present in population databases (ExAC no frequency). This sequence change replaces isoleucine with methionine at codon 54 of the KIT protein (p.Ile54Met). The isoleucine residue is moderately conserved and there is a small physicochemical difference between isoleucine and methionine.